The following is an entry in ClinVar:

NM_015178.3(RHOBTB2):c.505C>G (p.Leu169Val)

Gene: RHOBTB2 (Rho related BTB domain containing 2; plus strand). Cytogenetic location: 8p21.3.
Variant type: single nucleotide variant.
Coding change: c.505C>G on transcript NM_015178.3 (MANE Select); coding-DNA position 505, C replaced by G.
Protein change: p.Leu169Val; replaces leucine 169 with valine.
Molecular consequence: missense variant.
Genome position (GRCh38, 1-based): chr8:23,006,750, C>G. VCF-style: chr8-23006750-C-G. GRCh37 (hg19) VCF-style: chr8-22864263-C-G.
Other names: c.526C>G, p.Leu176Val (NM_001160037.2); c.505C>G, p.Leu169Val (NM_001374791.1); c.571C>G, p.Leu191Val (NM_001160036.2); short protein forms L169V, L191V, L176V.
Identifiers: ClinVar variation 2787726 (VCV002787726.3), dbSNP rs1447463875, ClinGen allele CA370563586.

ClinVar aggregate classification (germline): Uncertain significance (1 of 4 stars; one submission).

Submission:

Labcorp Genetics (formerly Invitae), Labcorp
Classification: Uncertain significance. Last evaluated: 2023-09-10. Review status: criteria provided, single submitter. Criteria: Invitae Variant Classification Sherloc (09022015). Collection method: clinical testing. Allele origin: germline.
Comment: This variant is not present in population databases (gnomAD no frequency). This sequence change replaces leucine, which is neutral and non-polar, with valine, which is neutral and non-polar, at codon 191 of the RHOBTB2 protein (p.Leu191Val). This variant has not been reported in the literature in individuals affected with RHOBTB2-related conditions. In summary, the available evidence is currently insufficient to determine the role of this variant in disease. Therefore, it has been classified as a Variant of Uncertain Significance. Advanced modeling of protein sequence and biophysical properties (such as structural, functional, and spatial information, amino acid conservation, physicochemical variation, residue mobility, and thermodynamic stability) performed at Invitae indicates that this missense variant is not expected to disrupt RHOBTB2 protein function.